The following is an entry in ClinVar:

NM_177438.3(DICER1):c.1202A>T (p.Tyr401Phe)

Gene: DICER1 (dicer 1, ribonuclease III; minus strand). Cytogenetic location: 14q32.13.
Variant type: single nucleotide variant.
Coding change: c.1202A>T on transcript NM_177438.3 (MANE Select); coding-DNA position 1202, A replaced by T.
Protein change: p.Tyr401Phe; replaces tyrosine 401 with phenylalanine.
Molecular consequence: missense variant.
Genome position (GRCh38, 1-based): chr14:95,124,370, T>A on the plus strand (A>T on the coding strand, the complement: DICER1 is on the minus strand). VCF-style: chr14-95124370-T-A. GRCh37 (hg19) VCF-style: chr14-95590707-T-A.
Other names: c.1202A>T, p.Tyr401Phe (NM_001195573.1, NM_001271282.3, NM_001291628.2 and 1 more transcripts); short protein forms Y401F.
Identifiers: ClinVar variation 1371051 (VCV001371051.9), dbSNP rs1355146488, ClinGen allele CA390886717.

ClinVar aggregate classification (germline): Uncertain significance (1 of 4 stars; one submission).

Conditions:
DICER1-related tumor predisposition. Also called: DICER1-related pleuropulmonary blastoma cancer predisposition syndrome; DICER1 syndrome. Identifiers: Orphanet 284343, MedGen C3839822, MONDO:0100216.

Submission:

Labcorp Genetics (formerly Invitae), Labcorp
Classification: Uncertain significance for DICER1-related tumor predisposition. Last evaluated: 2021-07-30. Review status: criteria provided, single submitter. Criteria: Invitae Variant Classification Sherloc (09022015). Collection method: clinical testing. Allele origin: germline.
Comment: In summary, the available evidence is currently insufficient to determine the role of this variant in disease. Therefore, it has been classified as a Variant of Uncertain Significance. Algorithms developed to predict the effect of missense changes on protein structure and function are either unavailable or do not agree on the potential impact of this missense change (SIFT: "Tolerated"; PolyPhen-2: "Probably Damaging"; Align-GVGD: "Class C0"). This variant has not been reported in the literature in individuals affected with DICER1-related conditions. This variant is not present in population databases (ExAC no frequency). This sequence change replaces tyrosine with phenylalanine at codon 401 of the DICER1 protein (p.Tyr401Phe). The tyrosine residue is highly conserved and there is a small physicochemical difference between tyrosine and phenylalanine.